The following is an entry in ClinVar:

ClinVar aggregate classification (germline): Pathogenic (1 of 4 stars; one submission).

Conditions:
Hereditary nonpolyposis colon cancer (HNPCC). Also called: Hereditary nonpolyposis colorectal cancer; Familial nonpolyposis colon cancer; Hereditary Nonpolyposis Colorectal Cancer Syndrome. Identifiers: Orphanet 443909, MedGen C1333990, MONDO:0018630. Disease mechanism: loss of function.

Submission:

Women's Health and Genetics/Laboratory Corporation of America, LabCorp
Classification: Pathogenic for Hereditary nonpolyposis colon cancer. Last evaluated: 2023-10-31. Review status: criteria provided, single submitter. Criteria: LabCorp Variant Classification Summary - May 2015. Collection method: clinical testing. Allele origin: germline.
Comment: Variant summary: MSH6 c.2927delG (p.Arg976LeufsX21) results in a premature termination codon, predicted to cause a truncation of the encoded protein or absence of the protein due to nonsense mediated decay, which are commonly known mechanisms for disease. The variant was absent in 227712 control chromosomes. To our knowledge, no occurrence of c.2927delG in individuals affected with Hereditary Nonpolyposis Colorectal Cancer and no experimental evidence demonstrating its impact on protein function have been reported. No submitters have cited clinical-significance assessments for this variant to ClinVar after 2014. Based on the evidence outlined above, the variant was classified as pathogenic.

NM_000179.3(MSH6):c.2927del (p.Arg976fs)

Gene: MSH6 (mutS homolog 6; plus strand). Cytogenetic location: 2p16.3.
Variant type: Deletion.
Coding change: c.2927del on transcript NM_000179.3 (MANE Select); coding-DNA position 2927, one base deleted (G; older notation c.2927delG).
Protein change: p.Arg976fs; shifts the reading frame from arginine 976.
Molecular consequence: frameshift variant. On other transcripts: non-coding transcript variant (5), intron variant (2).
Genome position (GRCh38, 1-based): chr2:47,800,910, G deleted. VCF-style (leftmost placement, unchanged base first): chr2-47800909-CG-C. GRCh37 (hg19) VCF-style: chr2-48028048-CG-C.
Other names: c.2927delG (NM_000179.3); c.2537del, p.Arg846fs (NM_001281492.2); c.2021del, p.Arg674fs (NM_001281493.2, NM_001281494.2, NM_001406811.1 and 6 more transcripts); c.3023del, p.Arg1008fs (NM_001406795.1, NM_001406802.1); c.2927del, p.Arg976fs (NM_001406796.1, NM_001406798.1, NM_001406800.1 and 2 more transcripts); c.2630del, p.Arg877fs (NM_001406797.1, NM_001406801.1, NM_001406805.1 and 10 more transcripts); c.2402del, p.Arg801fs (NM_001406799.1, NM_001406806.1, NM_001406807.1); c.2849del, p.Arg950fs (NM_001406804.1); and 5 more; short protein forms R1008fs, R291fs, R674fs, R801fs, R846fs, R877fs, R920fs, R950fs.
Identifiers: ClinVar variation 2637576 (VCV002637576.1), dbSNP rs2530702249, ClinGen allele CA2695200598.